The following is an entry in ClinVar:

NM_024535.5(CORO7):c.888G>A (p.Ala296=)

Genes: CORO7 (coronin 7; minus strand), CORO7-PAM16 (CORO7-PAM16 readthrough; minus strand). Cytogenetic location: 16p13.3.
Variant type: single nucleotide variant.
Coding change: c.888G>A on transcript NM_024535.5 (MANE Select); coding-DNA position 888, G replaced by A.
Protein change: p.Ala296=; no amino-acid change (alanine 296 retained).
Molecular consequence: synonymous variant.
Genome position (GRCh38, 1-based): chr16:4,365,013, C>T on the plus strand (G>A on the coding strand, the complement: CORO7 is on the minus strand). VCF-style: chr16-4365013-C-T. GRCh37 (hg19) VCF-style: chr16-4415014-C-T.
Other names: c.888G>A, p.Ala296= (NM_001201479.2); c.834G>A, p.Ala278= (NM_001201472.2); c.633G>A, p.Ala211= (NM_001201473.2); c.228G>A, p.Ala76= (NM_001351729.2).
Identifiers: ClinVar variation 2646147 (VCV002646147.24), dbSNP rs747702648, ClinGen allele CA7874563.

ClinVar aggregate classification (germline): Likely benign (1 of 4 stars; one submission).

Allele frequency attached by ClinVar (database versions not stated): gnomAD exomes 0.00001; ExAC 0.00004; TOPMed 0.00005.
gnomAD v4.1: 10 of 1,605,984 alleles (0.00062%); highest among the groups gnomAD compares: African/African-American, 0.004%; no homozygotes.

Submission:

CeGaT Center for Human Genetics Tuebingen
Classification: Likely benign. Last evaluated: 2022-07-01. Review status: criteria provided, single submitter. Criteria: CeGaT Center For Human Genetics Tuebingen Variant Classification Criteria Version 2. Collection method: clinical testing. Allele origin: germline. Affected: yes. Observed: 1 variant allele.
Comment: CORO7: BP4, BP7; CORO7-PAM16: BP4, BP7